The following is an entry in ClinVar:

NM_030780.5(SLC25A32):c.445A>C (p.Met149Leu)

Gene: SLC25A32 (solute carrier family 25 member 32; minus strand). Cytogenetic location: 8q22.3.
Variant type: single nucleotide variant.
Coding change: c.445A>C on transcript NM_030780.5 (MANE Select); coding-DNA position 445, A replaced by C.
Protein change: p.Met149Leu; replaces methionine 149 with leucine.
Molecular consequence: missense variant. On other transcripts: non-coding transcript variant (2).
Genome position (GRCh38, 1-based): chr8:103,403,271, T>G on the plus strand (A>C on the coding strand, the complement: SLC25A32 is on the minus strand). VCF-style: chr8-103403271-T-G. GRCh37 (hg19) VCF-style: chr8-104415499-T-G.
Other names: short protein forms M149L.
Identifiers: ClinVar variation 2002977 (VCV002002977.4), dbSNP rs895117142, ClinGen allele CA371625409.

ClinVar aggregate classification (germline): Uncertain significance (1 of 4 stars; one submission).

Submission:

Labcorp Genetics (formerly Invitae), Labcorp
Classification: Uncertain significance. Last evaluated: 2022-10-17. Review status: criteria provided, single submitter. Criteria: Invitae Variant Classification Sherloc (09022015). Collection method: clinical testing. Allele origin: germline.
Comment: In summary, the available evidence is currently insufficient to determine the role of this variant in disease. Therefore, it has been classified as a Variant of Uncertain Significance. Advanced modeling of protein sequence and biophysical properties (such as structural, functional, and spatial information, amino acid conservation, physicochemical variation, residue mobility, and thermodynamic stability) performed at Invitae indicates that this missense variant is not expected to disrupt SLC25A32 protein function. This variant has not been reported in the literature in individuals affected with SLC25A32-related conditions. This variant is not present in population databases (gnomAD no frequency). This sequence change replaces methionine, which is neutral and non-polar, with leucine, which is neutral and non-polar, at codon 149 of the SLC25A32 protein (p.Met149Leu).